The following is an entry in ClinVar:

NM_014915.3(ANKRD26):c.710T>A (p.Val237Glu)

Gene: ANKRD26 (ankyrin repeat domain containing 26; minus strand). Cytogenetic location: 10p12.1.
Variant type: single nucleotide variant.
Coding change: c.710T>A on transcript NM_014915.3 (MANE Select); coding-DNA position 710, T replaced by A.
Protein change: p.Val237Glu; replaces valine 237 with glutamic acid.
Molecular consequence: missense variant.
Genome position (GRCh38, 1-based): chr10:27,082,833, A>T on the plus strand (T>A on the coding strand, the complement: ANKRD26 is on the minus strand). VCF-style: chr10-27082833-A-T. GRCh37 (hg19) VCF-style: chr10-27371762-A-T.
Other names: c.710T>A, p.Val237Glu (NM_001256053.2); short protein forms V237E.
Identifiers: ClinVar variation 3913810 (VCV003913810.1).
Genomic context (GRCh38, chr10:27,082,833, plus strand): 5'-ATATATTTTTAAAAATCTGTAAAATACTACCTGCTTAAGGAGTCTTCAGAGCTTTCATCC[A>T]CTATTAAAGAGAAAAGTAAAACACACTTTAAATCAACAATAGAAAAATATATAAAATTTA-3'
Protein context (NP_055730.2, residues 227-247): PKHSSQNSNS[Val237Glu]DESSEDSLSR

ClinVar aggregate classification (germline): Uncertain significance (1 of 4 stars; one submission).

Conditions:
Inborn genetic diseases. Identifiers: MedGen C0950123, MeSH D030342.

Submission:

Ambry Genetics
Classification: Uncertain significance for Inborn genetic diseases. Last evaluated: 2025-04-19. Review status: criteria provided, single submitter. Criteria: Ambry Variant Classification Scheme 2023. Collection method: clinical testing. Allele origin: germline.
Comment: The p.V237E variant (also known as c.710T>A) is located in coding exon 6 of the ANKRD26 gene. The valine at codon 237 is replaced by glutamic acid, an amino acid with dissimilar properties. This change occurs in the first base pair of coding exon 6. This amino acid position is conserved. In addition, this alteration is predicted to be tolerated by in silico analysis. Based on the available evidence, the clinical significance of this variant remains unclear.